The following is an entry in ClinVar:

ClinVar aggregate classification (germline): Uncertain significance. Review status: criteria provided, multiple submitters, no conflicts (2 of 4 stars). 2 submissions from 2 submitters: Uncertain significance (2). Last evaluated 2021-08-31.

Conditions:
Bardet-Biedl syndrome (BBS). Identifiers: Orphanet 110, MedGen C0752166, MONDO:0015229.

gnomAD v4.1: 1 of 1,614,210 alleles (0.000062%); highest among the groups gnomAD compares: Non-Finnish European, 0.000085%; no homozygotes.

Submissions (2):

Labcorp Genetics (formerly Invitae), Labcorp
Classification: Uncertain significance for Bardet-Biedl syndrome. Last evaluated: 2021-08-31. Review status: criteria provided, single submitter. Criteria: Invitae Variant Classification Sherloc (09022015). Collection method: clinical testing. Allele origin: germline.
Comment: This sequence change replaces valine with alanine at codon 269 of the BBS2 protein (p.Val269Ala). The valine residue is highly conserved and there is a small physicochemical difference between valine and alanine. This variant is not present in population databases (ExAC no frequency). This missense change has been observed in individual(s) with clinical features of retinitis pigmentosa (Invitae). Algorithms developed to predict the effect of missense changes on protein structure and function (SIFT, PolyPhen-2, Align-GVGD) all suggest that this variant is likely to be disruptive. In summary, the available evidence is currently insufficient to determine the role of this variant in disease. Therefore, it has been classified as a Variant of Uncertain Significance.

Blueprint Genetics
Classification: Uncertain significance. Last evaluated: 2020-12-24. Review status: criteria provided, single submitter. Criteria: ACMG Guidelines, 2015. Collection method: clinical testing. Allele origin: germline.

NM_031885.5(BBS2):c.806T>C (p.Val269Ala)

Gene: BBS2 (Bardet-Biedl syndrome 2; minus strand). Cytogenetic location: 16q13.
Variant type: single nucleotide variant.
Coding change: c.806T>C on transcript NM_031885.5 (MANE Select); coding-DNA position 806, T replaced by C.
Protein change: p.Val269Ala; replaces valine 269 with alanine.
Molecular consequence: missense variant. On other transcripts: non-coding transcript variant (5).
Genome position (GRCh38, 1-based): chr16:56,502,807, A>G on the plus strand (T>C on the coding strand, the complement: BBS2 is on the minus strand). VCF-style: chr16-56502807-A-G. GRCh37 (hg19) VCF-style: chr16-56536719-A-G.
Other names: c.806T>C, p.Val269Ala (NM_001377456.1); short protein forms V269A.
Identifiers: ClinVar variation 1502470 (VCV001502470.6), dbSNP rs886039797, ClinGen allele CA395981975.